The following is an entry in ClinVar:

NM_014112.5(TRPS1):c.653T>G (p.Leu218Arg)

Gene: TRPS1 (transcriptional repressor GATA binding 1; minus strand). Cytogenetic location: 8q23.3.
Variant type: single nucleotide variant.
Coding change: c.653T>G on transcript NM_014112.5 (MANE Select); coding-DNA position 653, T replaced by G.
Protein change: p.Leu218Arg; replaces leucine 218 with arginine.
Molecular consequence: missense variant.
Genome position (GRCh38, 1-based): chr8:115,619,445, A>C on the plus strand (T>G on the coding strand, the complement: TRPS1 is on the minus strand). VCF-style: chr8-115619445-A-C. GRCh37 (hg19) VCF-style: chr8-116631672-A-C.
Other names: c.626T>G, p.Leu209Arg (NM_001282902.3); c.632T>G, p.Leu211Arg (NM_001282903.3); c.614T>G, p.Leu205Arg (NM_001330599.2); short protein forms L211R, L218R, L205R, L209R.
Identifiers: ClinVar variation 2928158 (VCV002928158.3), dbSNP rs745591682, ClinGen allele CA4851962.

ClinVar aggregate classification (germline): Uncertain significance (1 of 4 stars; one submission).

Conditions:
Trichorhinophalangeal dysplasia type I (TRPS1). Also called: TRICHORHINOPHALANGEAL SYNDROME, TYPE I; TRPS I. Identifiers: Orphanet 77258, MedGen C0432233, MONDO:0008596, OMIM 190350.
Trichorhinophalangeal syndrome, type III (TRPS3). Also called: SUGIO-KAJII SYNDROME. Identifiers: Orphanet 77258, MedGen C1860823, OMIM 190351, MONDO:0008597.

gnomAD v4.1: 15 of 1,614,208 alleles (0.00093%); highest among the groups gnomAD compares: Admixed American, 0.022%; no homozygotes.

Submission:

Labcorp Genetics (formerly Invitae), Labcorp
Classification: Uncertain significance for Trichorhinophalangeal syndrome, type III; Trichorhinophalangeal dysplasia type I. Last evaluated: 2023-12-28. Review status: criteria provided, single submitter. Criteria: Invitae Variant Classification Sherloc (09022015). Collection method: clinical testing. Allele origin: germline.
Comment: This sequence change replaces leucine, which is neutral and non-polar, with arginine, which is basic and polar, at codon 218 of the TRPS1 protein (p.Leu218Arg). This variant is present in population databases (rs745591682, gnomAD 0.03%), and has an allele count higher than expected for a pathogenic variant. This variant has not been reported in the literature in individuals affected with TRPS1-related conditions. Advanced modeling of protein sequence and biophysical properties (such as structural, functional, and spatial information, amino acid conservation, physicochemical variation, residue mobility, and thermodynamic stability) performed at Invitae indicates that this missense variant is not expected to disrupt TRPS1 protein function with a negative predictive value of 80%. In summary, the available evidence is currently insufficient to determine the role of this variant in disease. Therefore, it has been classified as a Variant of Uncertain Significance.